The following is an entry in ClinVar:

NM_006648.4(WNK2):c.1668G>C (p.Gln556His)

Gene: WNK2 (WNK lysine deficient protein kinase 2; plus strand). Cytogenetic location: 9q22.31.
Variant type: single nucleotide variant.
Coding change: c.1668G>C on transcript NM_006648.4 (MANE Select); coding-DNA position 1668, G replaced by C.
Protein change: p.Gln556His; replaces glutamine 556 with histidine.
Molecular consequence: missense variant.
Genome position (GRCh38, 1-based): chr9:93,247,668, G>C. VCF-style: chr9-93247668-G-C. GRCh37 (hg19) VCF-style: chr9-96009950-G-C.
Other names: c.1668G>C, p.Gln556His (NM_001282394.3); short protein forms Q556H.
Identifiers: ClinVar variation 3470465 (VCV003470465.1).
Genomic context (GRCh38, chr9:93,247,668, plus strand): 5'-GGCCTTGATCCAGTGGCGGCGGGAGAGGATCTGGCCCGCGCTGCAGCCCAAGGAGCAGCA[G>C]GATGTGGGCAGCCCGGACAAGGCCAGGGGTCCGCCGGTGCCCCTGCAGGTCCAGGTGACC-3'
Protein context (NP_006639.3, residues 546-566): IWPALQPKEQ[Gln556His]DVGSPDKARG

ClinVar aggregate classification (germline): Uncertain significance (1 of 4 stars; one submission).

Submission:

Ambry Genetics
Classification: Uncertain significance. Last evaluated: 2024-11-26. Review status: criteria provided, single submitter. Criteria: Ambry Variant Classification Scheme 2023. Collection method: clinical testing. Allele origin: germline.
Comment: The p.Q556H variant (also known as c.1668G>C), located in coding exon 7 of the WNK2 gene, results from a G to C substitution at nucleotide position 1668. The glutamine at codon 556 is replaced by histidine, an amino acid with highly similar properties. This amino acid position is conserved. In addition, this alteration is predicted to be tolerated by in silico analysis. Based on the available evidence, the clinical significance of this variant remains unclear.